The following is an entry in ClinVar:

ClinVar aggregate classification (germline): Uncertain significance. Review status: criteria provided, multiple submitters, no conflicts (2 of 4 stars). 3 submissions from 2 submitters: Uncertain significance (3). Last evaluated 2024-12-09.

Conditions:
Syndactyly. Also called: Webbed fingers or toes. Identifiers: MedGen C0039075, MONDO:0021002, HP:0001159.
Spondylocostal dysostosis 1, autosomal recessive (SCDO1). Also called: DLL3-Related Spondylocostal Dysostosis, Autosomal Recessive. Identifiers: Orphanet 2311, MedGen CN032975, MONDO:0020692, OMIM 277300.

Allele frequency attached by ClinVar (database versions not stated): TOPMed 0.00004.
gnomAD v4.1: 20 of 1,566,098 alleles (0.0013%); highest among the groups gnomAD compares: Middle Eastern, 0.017%; no homozygotes.

Submissions (3):

Labcorp Genetics (formerly Invitae), Labcorp
Classification: Uncertain significance. Last evaluated: 2024-12-09. Review status: criteria provided, single submitter. Criteria: Invitae Variant Classification Sherloc (09022015). Collection method: clinical testing. Allele origin: germline.
Comment: This sequence change replaces methionine, which is neutral and non-polar, with valine, which is neutral and non-polar, at codon 460 of the DLL3 protein (p.Met460Val). This variant is present in population databases (rs766274162, gnomAD 0.01%). This variant has not been reported in the literature in individuals affected with DLL3-related conditions. ClinVar contains an entry for this variant (Variation ID: 892590). An algorithm developed to predict the effect of missense changes on protein structure and function (PolyPhen-2) suggests that this variant is likely to be disruptive. In summary, the available evidence is currently insufficient to determine the role of this variant in disease. Therefore, it has been classified as a Variant of Uncertain Significance.

Illumina Laboratory Services, Illumina
Classification: Uncertain significance for Non-syndromic syndactyly. Last evaluated: 2018-01-13. Review status: criteria provided, single submitter. Criteria: ICSL Variant Classification Criteria 13 December 2019. Collection method: clinical testing. Allele origin: germline.

Illumina Laboratory Services, Illumina
Classification: Uncertain significance for Spondylocostal dysostosis 1, autosomal recessive. Last evaluated: 2018-01-13. Review status: criteria provided, single submitter. Criteria: ICSL Variant Classification Criteria 13 December 2019. Collection method: clinical testing. Allele origin: germline.

NM_203486.3(DLL3):c.1378A>G (p.Met460Val)

Gene: DLL3 (delta like canonical Notch ligand 3; plus strand). Cytogenetic location: 19q13.2.
Variant type: single nucleotide variant.
Coding change: c.1378A>G on transcript NM_203486.3 (MANE Select); coding-DNA position 1378, A replaced by G.
Protein change: p.Met460Val; replaces methionine 460 with valine.
Molecular consequence: missense variant.
Genome position (GRCh38, 1-based): chr19:39,507,323, A>G. VCF-style: chr19-39507323-A-G. GRCh37 (hg19) VCF-style: chr19-39997963-A-G.
Other names: c.1378A>G, p.Met460Val (NM_016941.4); short protein forms M460V.
Identifiers: ClinVar variation 892590 (VCV000892590.6), dbSNP rs766274162, ClinGen allele CA308227439.